The following is an entry in ClinVar:

NM_000273.3(GPR143):c.1010C>A (p.Ala337Asp)

Gene: GPR143 (G protein-coupled receptor 143; minus strand). Cytogenetic location: Xp22.2.
Variant type: single nucleotide variant.
Coding change: c.1010C>A on transcript NM_000273.3 (MANE Select); coding-DNA position 1010, C replaced by A.
Protein change: p.Ala337Asp; replaces alanine 337 with aspartic acid.
Molecular consequence: missense variant.
Genome position (GRCh38, 1-based): chrX:9,739,595, G>T on the plus strand (C>A on the coding strand, the complement: GPR143 is on the minus strand). VCF-style: chrX-9739595-G-T. GRCh37 (hg19) VCF-style: chrX-9707635-G-T.
Other names: c.1010C>A (NM_000273.2); short protein forms A337D.
Identifiers: ClinVar variation 3020257 (VCV003020257.4), dbSNP rs1210331667, ClinGen allele CA411995200.

ClinVar aggregate classification (germline): Uncertain significance. Review status: criteria provided, multiple submitters, no conflicts (2 of 4 stars). 2 submissions from 2 submitters: Uncertain significance (2). Last evaluated 2025-03-25.

Conditions:
Inborn genetic diseases. Identifiers: MedGen C0950123, MeSH D030342.

Submissions (2):

Ambry Genetics
Classification: Uncertain significance for Inborn genetic diseases. Last evaluated: 2025-03-25. Review status: criteria provided, single submitter. Criteria: Ambry Variant Classification Scheme 2023. Collection method: clinical testing. Allele origin: germline.

Labcorp Genetics (formerly Invitae), Labcorp
Classification: Uncertain significance. Last evaluated: 2023-06-27. Review status: criteria provided, single submitter. Criteria: Invitae Variant Classification Sherloc (09022015). Collection method: clinical testing. Allele origin: germline.
Comment: In summary, the available evidence is currently insufficient to determine the role of this variant in disease. Therefore, it has been classified as a Variant of Uncertain Significance. Advanced modeling of protein sequence and biophysical properties (such as structural, functional, and spatial information, amino acid conservation, physicochemical variation, residue mobility, and thermodynamic stability) performed at Invitae indicates that this missense variant is not expected to disrupt GPR143 protein function. This variant has not been reported in the literature in individuals affected with GPR143-related conditions. This variant is not present in population databases (gnomAD no frequency). This sequence change replaces alanine, which is neutral and non-polar, with aspartic acid, which is acidic and polar, at codon 337 of the GPR143 protein (p.Ala337Asp).